The following is an entry in ClinVar:

NM_000548.5(TSC2):c.2198T>C (p.Leu733Pro)

Gene: TSC2 (TSC complex subunit 2; plus strand). Cytogenetic location: 16p13.3.
Variant type: single nucleotide variant.
Coding change: c.2198T>C on transcript NM_000548.5 (MANE Select); coding-DNA position 2198, T replaced by C.
Protein change: p.Leu733Pro; replaces leucine 733 with proline.
Molecular consequence: missense variant.
Genome position (GRCh38, 1-based): chr16:2,072,341, T>C. VCF-style: chr16-2072341-T-C. GRCh37 (hg19) VCF-style: chr16-2122342-T-C.
Other names: c.2198T>C, p.Leu733Pro (NM_001077183.3, NM_001114382.3, NM_001363528.2 and 3 more transcripts); c.2087T>C, p.Leu696Pro (NM_001318827.2); c.2051T>C, p.Leu684Pro (NM_001318829.2); c.1598T>C, p.Leu533Pro (NM_001318831.2); c.2231T>C, p.Leu744Pro (NM_001318832.2); short protein forms L733P, L684P, L533P, L696P, L744P.
Identifiers: ClinVar variation 50119 (VCV000050119.4), dbSNP rs45517217, ClinGen allele CA016906.

ClinVar aggregate classification (germline): Likely pathogenic. Review status: criteria provided, multiple submitters, no conflicts (2 of 4 stars). 3 submissions from 3 submitters: Likely pathogenic (2). 1 of the submissions does not count toward it. Last evaluated 2024-08-22.

Conditions:
Tuberous sclerosis syndrome (TSC). Also called: Tuberous Sclerosis Complex; Tuberous sclerosis. Identifiers: Orphanet 805, MedGen C0041341, MONDO:0001734.
Tuberous sclerosis 2 (TSC2). Identifiers: Orphanet 805, MedGen C1860707, MONDO:0013199, OMIM 613254.

Submissions (3):

Institute of Human Genetics, University of Leipzig Medical Center
Classification: Likely pathogenic for Tuberous sclerosis 2. Last evaluated: 2024-08-22. Review status: criteria provided, single submitter. Criteria: ACMG Guidelines, 2015. Collection method: clinical testing. Allele origin: unknown. Inheritance: Autosomal dominant inheritance. Affected: yes.
Comment: Criteria applied: PS4_MOD,PM2,PP3,PP4

Division of Genomic Medicine, Department of Advanced Medicine, Medical Research Institute, Kanazawa Medical University
Classification: Likely pathogenic for Tuberous sclerosis 2. Last evaluated: 2022-07-19. Review status: criteria provided, single submitter. Criteria: ACMG Guidelines, 2015. Collection method: clinical testing. Allele origin: germline. Affected: yes. Observed: 1 variant allele.
Comment: According to ACMG GL 2015, this variant located in Hamartin binding domain (PM1), absent from controls (PM2), assumed de novo (PM6), multiple lines of computational evidence support a deleterious effect (PP3).

Tuberous sclerosis database (TSC2)
No classification provided. Condition: TSC. Review status: no classification provided. Criteria: Tuberous Sclerosis Database Assertion Criteria 2015. Collection method: curation. Allele origin: germline. Affected: yes. Not counted in ClinVar's aggregate classification.